The following is an entry in ClinVar:

ClinVar aggregate classification (germline): Likely pathogenic (1 of 4 stars; one submission).

Conditions:
Dilated cardiomyopathy 1G (CMD1G). Identifiers: Orphanet 154, MedGen C1858763, MONDO:0011400, OMIM 604145.
Autosomal recessive limb-girdle muscular dystrophy type 2J (LGMDR10). Also called: Limb-girdle muscular dystrophy, type 2J; MUSCULAR DYSTROPHY, LIMB-GIRDLE, AUTOSOMAL RECESSIVE 10. Identifiers: Orphanet 140922, MedGen C1837342, MONDO:0012127, OMIM 608807.

Submission:

Labcorp Genetics (formerly Invitae), Labcorp
Classification: Likely pathogenic for Dilated cardiomyopathy 1G; Autosomal recessive limb-girdle muscular dystrophy type 2J. Last evaluated: 2024-01-19. Review status: criteria provided, single submitter. Criteria: Invitae Variant Classification Sherloc (09022015). Collection method: clinical testing. Allele origin: germline.
Comment: This sequence change creates a premature translational stop signal (p.Arg15154Glyfs*23) in the TTN gene. While this is not anticipated to result in nonsense mediated decay, it is expected to create a truncated TTN protein. This variant is not present in population databases (gnomAD no frequency). This variant has not been reported in the literature in individuals affected with TTN-related conditions. This variant is located in the I band of TTN (PMID: 25589632). Truncating variants in this region have been reported in individuals affected with autosomal recessive centronuclear myopathy (PMID: 23975875, Invitae internal data). Truncating variants in this region have also been identified in individuals affected with autosomal dominant dilated cardiomyopathy and/or cardio-related conditions (PMID: 27869827, 32964742, Invitae internal data). In summary, the currently available evidence indicates that the variant is pathogenic, but additional data are needed to prove that conclusively. Therefore, this variant has been classified as Likely Pathogenic.

Literature cited by the submitters: PubMed 25589632; PubMed 23975875; PubMed 27869827; PubMed 32964742.

NM_001267550.2(TTN):c.45459del (p.Arg15154fs)

Genes: TTN (titin; minus strand), LOC126806427 (BRD4-independent group 4 enhancer GRCh37_chr2:179485777-179486976; plus strand). Cytogenetic location: 2q31.2.
Variant type: Deletion.
Coding change: c.45459del on transcript NM_001267550.2 (MANE Select); coding-DNA position 45459, one base deleted (G; older notation c.45459delG).
Protein change: p.Arg15154fs; shifts the reading frame from arginine 15154.
Molecular consequence: frameshift variant.
Genome position (GRCh38, 1-based): chr2:178,621,259, C deleted on the plus strand (G on the coding strand, the reverse complement: TTN is on the minus strand). VCF-style (leftmost placement, unchanged base first): chr2-178621258-TC-T. GRCh37 (hg19) VCF-style: chr2-179485985-TC-T.
Other names: c.40536del, p.Arg13513fs (NM_001256850.1); c.18264del, p.Arg6089fs (NM_003319.4); c.37755del, p.Arg12586fs (NM_133378.4); c.18639del, p.Arg6214fs (NM_133432.3); c.18840del, p.Arg6281fs (NM_133437.4); short protein forms R15154fs, R6281fs, R6214fs, R12586fs, R6089fs, R13513fs.
Identifiers: ClinVar variation 2922306 (VCV002922306.3), dbSNP rs2471039440, ClinGen allele CA2740096157.
Genomic context (GRCh38, chr2:178,621,258, plus strand): 5'-TCTTTTTACCATCAGCAATAACGTCATATTTATCTCCAGATTCAAGTGTCTTATCATCCC[TC>T]TTCCACTGGACTGGAAAGCTTTCTTTTGATATAGAGCAGACAAATTCAGCCTTTTCTCCT-3'